The following is an entry in ClinVar:

NM_001048174.2(MUTYH):c.647G>A (p.Cys216Tyr)

Gene: MUTYH (mutY DNA glycosylase; minus strand). Cytogenetic location: 1p34.1.
Variant type: single nucleotide variant.
Coding change: c.647G>A on transcript NM_001048174.2 (MANE Select); coding-DNA position 647, G replaced by A.
Protein change: p.Cys216Tyr; replaces cysteine 216 with tyrosine.
Molecular consequence: missense variant. On other transcripts: non-coding transcript variant (2).
Genome position (GRCh38, 1-based): chr1:45,332,448, C>T on the plus strand (G>A on the coding strand, the complement: MUTYH is on the minus strand). VCF-style: chr1-45332448-C-T. GRCh37 (hg19) VCF-style: chr1-45798120-C-T.
Other names: c.647G>A, p.Cys216Tyr (NM_001048171.2, NM_001048173.2, NM_001293195.2); c.650G>A, p.Cys217Tyr (NM_001048172.2); c.731G>A, p.Cys244Tyr (NM_001128425.2); c.692G>A, p.Cys231Tyr (NM_001293190.2); c.680G>A, p.Cys227Tyr (NM_001293191.2); c.371G>A, p.Cys124Tyr (NM_001293192.2, NM_001293196.2); c.302G>A, p.Cys101Tyr (NM_001350650.2, NM_001350651.2); c.722G>A, p.Cys241Tyr (NM_012222.3); short protein forms C244Y, C217Y, C241Y, C101Y, C216Y, C227Y, C231Y, C124Y.
Identifiers: ClinVar variation 230038 (VCV000230038.21), dbSNP rs375346290, ClinGen allele CA058870.

ClinVar aggregate classification (germline): Conflicting classifications of pathogenicity. Review status: criteria provided, conflicting classifications (1 of 4 stars). 5 submissions from 5 submitters: Likely pathogenic (2); Uncertain significance (3). Last evaluated 2026-07-17.

Conditions:
Hereditary cancer-predisposing syndrome. Also called: Hereditary Cancer Syndrome; Tumor predisposition; Hereditary neoplastic syndrome; Neoplastic Syndromes, Hereditary. Identifiers: Orphanet 140162, MedGen C0027672, MeSH D009386, MONDO:0015356.
Familial adenomatous polyposis 2. Also called: MUTYH-associated polyposis; Adenomas, multiple colorectal; FAP type 2; MUTYH Polyposis; COLORECTAL ADENOMATOUS POLYPOSIS, AUTOSOMAL RECESSIVE; ADENOMAS, MULTIPLE COLORECTAL, AUTOSOMAL RECESSIVE. Identifiers: Orphanet 220460, Orphanet 247798, MedGen C3272841, MONDO:0012041, OMIM 608456.

Allele frequency attached by ClinVar (database versions not stated): ESP Exome Variant Server 0.00008; gnomAD exomes below 0.00001; ExAC 0.00001; TOPMed 0.00002.
gnomAD v4.1: 1 of 1,614,140 alleles (0.000062%); highest among the groups gnomAD compares: Non-Finnish European, 0.000085%; no homozygotes.

Submissions (5):

Myriad Genetics, Inc.
Classification: Likely pathogenic for Familial adenomatous polyposis 2. Last evaluated: 2026-07-17. Review status: criteria provided, single submitter. Criteria: Myriad Autosomal Dominant, Autosomal Recessive and X-Linked Classification Criteria (2023). Collection method: clinical testing. Allele origin: unknown.
Comment: This variant is considered likely pathogenic. Functional studies indicate this variant impacts protein function [PMID: 40738107]. This variant is expected to disrupt protein structure [Myriad internal data].

Labcorp Genetics (formerly Invitae), Labcorp
Classification: Uncertain significance for Familial adenomatous polyposis 2. Last evaluated: 2025-12-24. Review status: criteria provided, single submitter. Criteria: Invitae Variant Classification Sherloc (09022015). Collection method: clinical testing. Allele origin: germline.
Comment: This sequence change replaces cysteine, which is neutral and slightly polar, with tyrosine, which is neutral and polar, at codon 244 of the MUTYH protein (p.Cys244Tyr). This variant is present in population databases (rs375346290, gnomAD 0.0009%). This missense change has been observed in individual(s) with MUTYH-related conditions (PMID: 25368107; internal data). In at least one individual the data is consistent with being in trans (on the opposite chromosome) from a pathogenic variant. This variant is also known as c.689G>A (p.Cys230Tyr). ClinVar contains an entry for this variant (Variation ID: 230038). An algorithm developed to predict the effect of missense changes on protein structure and function (PolyPhen-2) suggests that this variant is likely to be disruptive. In summary, the available evidence is currently insufficient to determine the role of this variant in disease. Therefore, it has been classified as a Variant of Uncertain Significance.

Ambry Genetics
Classification: Likely pathogenic for Hereditary cancer-predisposing syndrome. Last evaluated: 2025-08-15. Review status: criteria provided, single submitter. Criteria: Ambry Variant Classification Scheme 2023. Collection method: clinical testing. Allele origin: germline.
Comment: The p.C244Y variant (also known as c.731G>A), located in coding exon 9 of the MUTYH gene, results from a G to A substitution at nucleotide position 731. The cysteine at codon 244 is replaced by tyrosine, an amino acid with highly dissimilar properties. In one study, this variant was detected in 0/165 colorectal cancer and/or polyposis patients and was identified in 1/2512 control individuals from a healthy population database (Rosenthal EA et al. Hum Genet, 2018 Oct;137:795-806). In a massively parallel cell-based functional assay testing 7,8-dihydro-8- oxoguanine:adenine (8OG:A) repair activity, a byproduct of oxidative damage, this variant was reported to be non-functional (Hemker SL et al. Am J Hum Genet. Published online July 29, 2025. DOI: 10.1016/j.ajhg.2025.07.005). This amino acid position is highly conserved in available vertebrate species. In addition, this alteration is predicted to be deleterious by in silico analysis. This variant is considered to be rare based on population cohorts in the Genome Aggregation Database (gnomAD). Based on the majority of available evidence to date, this variant is likely to be pathogenic.

Baylor Genetics
Classification: Uncertain significance for Familial adenomatous polyposis 2. Last evaluated: 2023-09-26. Review status: criteria provided, single submitter. Criteria: ACMG Guidelines, 2015. Collection method: clinical testing. Allele origin: unknown.

Color Diagnostics, LLC DBA Color Health
Classification: Uncertain significance for Hereditary cancer-predisposing syndrome. Last evaluated: 2019-06-29. Review status: criteria provided, single submitter. Criteria: ACMG Guidelines, 2015. Collection method: clinical testing. Allele origin: germline.

Literature cited by the submitters: PubMed 40738107 (cited by Myriad Genetics, Inc. and Ambry Genetics); PubMed 25368107 (cited by Labcorp Genetics (formerly Invitae), Labcorp); PubMed 30267214 (cited by Ambry Genetics).